The following is an entry in ClinVar:

NM_000528.4(MAN2B1):c.1528-1G>A

Gene: MAN2B1 (mannosidase alpha class 2B member 1; minus strand). Cytogenetic location: 19p13.13.
Variant type: single nucleotide variant.
Coding change: c.1528-1G>A on transcript NM_000528.4 (MANE Select); the canonical splice acceptor site of the intron before coding-DNA position 1528, G replaced by A.
Molecular consequence: splice acceptor variant.
Genome position (GRCh38, 1-based): chr19:12,656,688, C>T on the plus strand (G>A on the coding strand, the complement: MAN2B1 is on the minus strand). VCF-style: chr19-12656688-C-T. GRCh37 (hg19) VCF-style: chr19-12767502-C-T.
Other names: c.1525-1G>A (NM_001173498.2).
Identifiers: ClinVar variation 1323267 (VCV001323267.11), dbSNP rs561991886, ClinGen allele CA9226396.

ClinVar aggregate classification (germline): Pathogenic/Likely pathogenic. Review status: criteria provided, multiple submitters, no conflicts (2 of 4 stars). 4 submissions from 4 submitters: Pathogenic (1); Likely pathogenic (3). Last evaluated 2026-01-19.

Conditions:
Deficiency of alpha-mannosidase (MANSA). Also called: LYSOSOMAL ALPHA-D-MANNOSIDASE DEFICIENCY; Alpha-Mannosidosis; Mannosidosis, alpha-, types I and II. Identifiers: Orphanet 61, MedGen C0024748, MONDO:0009561, OMIM 248500.

Allele frequency attached by ClinVar (database versions not stated): gnomAD exomes 0.00001; ExAC 0.00002; gnomAD 0.00002; 1000 Genomes Project 30x 0.00016; 1000 Genomes Project 0.00020.
gnomAD v4.1: 19 of 1,606,662 alleles (0.0012%); highest among the groups gnomAD compares: South Asian, 0.02%; no homozygotes.

Submissions (4):

Labcorp Genetics (formerly Invitae), Labcorp
Classification: Likely pathogenic for Deficiency of alpha-mannosidase. Last evaluated: 2026-01-19. Review status: criteria provided, single submitter. Criteria: Invitae Variant Classification Sherloc (09022015). Collection method: clinical testing. Allele origin: germline.
Comment: This sequence change affects an acceptor splice site in intron 12 of the MAN2B1 gene. It is expected to disrupt RNA splicing. Variants that disrupt the donor or acceptor splice site typically lead to a loss of protein function (PMID: 16199547), and loss-of-function variants in MAN2B1 are known to be pathogenic (PMID: 9915946, 22161967). This variant is present in population databases (rs561991886, gnomAD 0.01%). This variant has not been reported in the literature in individuals affected with MAN2B1-related conditions. ClinVar contains an entry for this variant (Variation ID: 1323267). Algorithms developed to predict the effect of sequence changes on RNA splicing suggest that this variant may disrupt the consensus splice site. In summary, the currently available evidence indicates that the variant is pathogenic, but additional data are needed to prove that conclusively. Therefore, this variant has been classified as Likely Pathogenic.

Baylor Genetics
Classification: Likely pathogenic for Deficiency of alpha-mannosidase. Last evaluated: 2024-01-18. Review status: criteria provided, single submitter. Criteria: ACMG Guidelines, 2015. Collection method: clinical testing. Allele origin: unknown.

Fulgent Genetics
Classification: Likely pathogenic for Deficiency of alpha-mannosidase. Last evaluated: 2022-05-27. Review status: criteria provided, single submitter. Criteria: ACMG Guidelines, 2015. Collection method: clinical testing. Allele origin: unknown.

Revvity Omics, Revvity
Classification: Pathogenic for Deficiency of alpha-mannosidase. Last evaluated: 2020-12-15. Review status: criteria provided, single submitter. Criteria: ACMG Guidelines, 2015. Collection method: clinical testing. Allele origin: germline.

Literature cited by the submitters: PubMed 16199547 (cited by Labcorp Genetics (formerly Invitae), Labcorp); PubMed 9915946 (cited by Labcorp Genetics (formerly Invitae), Labcorp); PubMed 22161967 (cited by Labcorp Genetics (formerly Invitae), Labcorp).